The following is an entry in ClinVar:

ClinVar aggregate classification (germline): Conflicting classifications of pathogenicity. Review status: criteria provided, conflicting classifications (1 of 4 stars). 6 submissions from 6 submitters: Pathogenic (2); Likely pathogenic (2); Uncertain significance (1). 1 of the submissions does not count toward it. Last evaluated 2026-01-22.

Conditions:
Hyperornithinemia. Also called: Ornithinemia. Identifiers: MedGen C0599035, HP:0012026.
OAT-related disorder. Also called: OAT-related condition.
Ornithine aminotransferase deficiency (GACR). Also called: Ornithine ketoacid aminotransferase deficiency; Gyrate atrophy; Gyrate atrophy of choroid and retina; Girate atrophy of the retina; OKT DEFICIENCY; HYPERORNITHINEMIA WITH GYRATE ATROPHY OF CHOROID AND RETINA. Identifiers: Orphanet 414, MedGen C0018425, MONDO:0009796, OMIM 258870.

Allele frequency attached by ClinVar (database versions not stated): gnomAD exomes below 0.00001 and 0.00001; TOPMed below 0.00001; gnomAD 0.00001; ExAC 0.00003.
gnomAD v4.1: 6 of 1,613,660 alleles (0.00037%); highest among the groups gnomAD compares: Non-Finnish European, 0.00051%; no homozygotes.

Submissions (6):

Labcorp Genetics (formerly Invitae), Labcorp
Classification: Pathogenic for Ornithine aminotransferase deficiency. Last evaluated: 2026-01-22. Review status: criteria provided, single submitter. Criteria: Invitae Variant Classification Sherloc (09022015). Collection method: clinical testing. Allele origin: germline.
Comment: This sequence change replaces isoleucine, which is neutral and non-polar, with asparagine, which is neutral and polar, at codon 436 of the OAT protein (p.Ile436Asn). This variant is present in population databases (rs386833598, gnomAD 0.003%). This missense change has been observed in individual(s) with gyrate atrophy of choroid and retina (PMID: 23076989, 29654911). ClinVar contains an entry for this variant (Variation ID: 56115). Invitae Evidence Modeling of protein sequence and biophysical properties (such as structural, functional, and spatial information, amino acid conservation, physicochemical variation, residue mobility, and thermodynamic stability) indicates that this missense variant is expected to disrupt OAT protein function with a positive predictive value of 80%. Experimental studies have shown that this missense change affects OAT function (PMID: 23076989). For these reasons, this variant has been classified as Pathogenic.

Myriad Genetics, Inc.
Classification: Uncertain significance for Ornithine aminotransferase deficiency. Last evaluated: 2025-12-03. Review status: criteria provided, single submitter. Criteria: Myriad Autosomal Dominant, Autosomal Recessive and X-Linked Classification Criteria (2023). Collection method: clinical testing. Allele origin: unknown.
Comment: NM_000274.3(OAT):c.1307T>A(I436N) is a missense variant classified as a variant of uncertain significance in the context of ornithine aminotransferase deficiency. I436N has been observed in cases with relevant disease (PMID: 23076989, 29654911). Relevant functional assessments of this variant are not available in the literature. I436N has been observed in referenced population frequency databases. In summary, there is insufficient evidence to classify NM_000274.3(OAT):c.1307T>A(I436N) as pathogenic or benign. Please note: this variant was assessed in the context of healthy population screening.

Blueprint Genetics
Classification: Likely pathogenic for OAT-related disorders. Last evaluated: 2024-11-27. Review status: criteria provided, single submitter. Criteria: ACMG Guidelines, 2015. Collection method: clinical testing. Allele origin: germline. Affected: yes. Observed: 3 variant alleles.

Baylor Genetics
Classification: Likely pathogenic for Ornithine aminotransferase deficiency. Last evaluated: 2024-02-27. Review status: criteria provided, single submitter. Criteria: ACMG Guidelines, 2015. Collection method: clinical testing. Allele origin: unknown.

Women's Health and Genetics/Laboratory Corporation of America, LabCorp
Classification: Pathogenic for Hyperornithinemia. Last evaluated: 2023-06-07. Review status: criteria provided, single submitter. Criteria: LabCorp Variant Classification Summary - May 2015. Collection method: clinical testing. Allele origin: germline.
Comment: Variant summary: OAT c.1307T>A (p.Ile436Asn) results in a non-conservative amino acid change in the encoded protein sequence. Five of five in-silico tools predict a damaging effect of the variant on protein function. The variant allele was found at a frequency of 1.2e-05 in 249942 control chromosomes. c.1307T>A has been reported in the literature in at least two individuals affected with Gyrate Atrophy Of Choroid And Retina (Doimo_2012, Casalino_2018). These data indicate that the variant is likely to be associated with disease. At least one publication reports experimental evidence evaluating an impact on protein function. The most pronounced variant effect results in <10% of normal activity (Doimo_2012). The following publications have been ascertained in the context of this evaluation (PMID: 29654911, 23076989). No clinical diagnostic laboratories have submitted clinical-significance assessments for this variant to ClinVar after 2014. Based on the evidence outlined above, the variant was classified as pathogenic.

Juha Muilu Group; Institute for Molecular Medicine Finland (FIMM)
Classification: Likely pathogenic for Ornithine aminotransferase deficiency. Review status: no assertion criteria provided. Collection method: not provided. Allele origin: unknown. Not counted in ClinVar's aggregate classification.
Comment: FinDis database variant: This variant was not found or characterized by our laboratory, data were collected from public sources: see reference
ClinVar note: Converted during submission from probable-pathogenic to Likely pathogenic.

Literature cited by the submitters: PubMed 23076989 (cited by 3 submitters); PubMed 29654911 (cited by 3 submitters).

NM_000274.4(OAT):c.1307T>A (p.Ile436Asn)

Gene: OAT (ornithine aminotransferase; minus strand). Cytogenetic location: 10q26.13.
Variant type: single nucleotide variant.
Coding change: c.1307T>A on transcript NM_000274.4 (MANE Select); coding-DNA position 1307, T replaced by A.
Protein change: p.Ile436Asn; replaces isoleucine 436 with asparagine.
Molecular consequence: missense variant.
Genome position (GRCh38, 1-based): chr10:124,397,955, A>T on the plus strand (T>A on the coding strand, the complement: OAT is on the minus strand). VCF-style: chr10-124397955-A-T. GRCh37 (hg19) VCF-style: chr10-126086524-A-T.
Other names: c.893T>A, p.Ile298Asn (NM_001171814.2); c.1307T>A, p.Ile436Asn (NM_001322965.2, NM_001322966.2, NM_001322967.2 and 3 more transcripts); c.986T>A, p.Ile329Asn (NM_001322971.2); c.707T>A, p.Ile236Asn (NM_001322974.2); short protein forms I298N, I436N, I236N, I329N.
Identifiers: ClinVar variation 56115 (VCV000056115.10), dbSNP rs386833598, ClinGen allele CA144139.